The following is an entry in ClinVar:

ClinVar aggregate classification (germline): Uncertain significance (1 of 4 stars; one submission).

gnomAD v4.1: 7 of 1,603,584 alleles (0.00044%); highest among the groups gnomAD compares: South Asian, 0.0078%; no homozygotes.

Submission:

GeneDx
Classification: Uncertain significance. Last evaluated: 2025-04-07. Review status: criteria provided, single submitter. Criteria: GeneDx Variant Classification Process June 2021. Collection method: clinical testing. Allele origin: germline. Affected: yes.
Comment: In silico analysis supports that this missense variant has a deleterious effect on protein structure/function; Has not been previously published as pathogenic or benign to our knowledge

NM_005687.5(FARSB):c.920A>C (p.Glu307Ala)

Gene: FARSB (phenylalanyl-tRNA synthetase subunit beta; minus strand). Cytogenetic location: 2q36.1.
Variant type: single nucleotide variant.
Coding change: c.920A>C on transcript NM_005687.5 (MANE Select); coding-DNA position 920, A replaced by C.
Protein change: p.Glu307Ala; replaces glutamic acid 307 with alanine.
Molecular consequence: missense variant. On other transcripts: non-coding transcript variant (1).
Genome position (GRCh38, 1-based): chr2:222,624,756, T>G on the plus strand (A>C on the coding strand, the complement: FARSB is on the minus strand). VCF-style: chr2-222624756-T-G. GRCh37 (hg19) VCF-style: chr2-223489475-T-G.
Other names: short protein forms E307A.
Identifiers: ClinVar variation 4281929 (VCV004281929.1).